The following is an entry in ClinVar:

NM_001130144.3(LTBP3):c.2569C>T (p.Arg857Trp)

Gene: LTBP3 (latent transforming growth factor beta binding protein 3; minus strand). Cytogenetic location: 11q13.1.
Variant type: single nucleotide variant.
Coding change: c.2569C>T on transcript NM_001130144.3 (MANE Select); coding-DNA position 2569, C replaced by T.
Protein change: p.Arg857Trp; replaces arginine 857 with tryptophan.
Molecular consequence: missense variant.
Genome position (GRCh38, 1-based): chr11:65,543,132, G>A on the plus strand (C>T on the coding strand, the complement: LTBP3 is on the minus strand). VCF-style: chr11-65543132-G-A. GRCh37 (hg19) VCF-style: chr11-65310603-G-A.
Other names: c.2218C>T, p.Arg740Trp (NM_001164266.1); c.2569C>T, p.Arg857Trp (NM_021070.4); short protein forms R740W, R857W.
Identifiers: ClinVar variation 1988554 (VCV001988554.4), dbSNP rs368156902, ClinGen allele CA6100568.

ClinVar aggregate classification (germline): Uncertain significance (1 of 4 stars; one submission).

Conditions:
Brachyolmia-amelogenesis imperfecta syndrome. Also called: Tooth agenesis, selective, 6; Dental anomalies and short stature; PLATYSPONDYLY WITH AMELOGENESIS IMPERFECTA. Identifiers: Orphanet 2899, MedGen C1832594, MONDO:0011018, OMIM 601216. Disease mechanism: loss of function.

Allele frequency attached by ClinVar (database versions not stated): gnomAD 0.00001; TOPMed 0.00002; ESP Exome Variant Server 0.00008.
gnomAD v4.1: 6 of 1,613,998 alleles (0.00037%); highest among the groups gnomAD compares: African/African-American, 0.0027%; no homozygotes.

Submission:

Labcorp Genetics (formerly Invitae), Labcorp
Classification: Uncertain significance for Brachyolmia-amelogenesis imperfecta syndrome. Last evaluated: 2023-06-04. Review status: criteria provided, single submitter. Criteria: Invitae Variant Classification Sherloc (09022015). Collection method: clinical testing. Allele origin: germline.
Comment: In summary, the available evidence is currently insufficient to determine the role of this variant in disease. Therefore, it has been classified as a Variant of Uncertain Significance. An algorithm developed to predict the effect of missense changes on protein structure and function (PolyPhen-2) suggests that this variant is likely to be disruptive. ClinVar contains an entry for this variant (Variation ID: 1988554). This variant has not been reported in the literature in individuals affected with LTBP3-related conditions. This variant is present in population databases (rs368156902, gnomAD 0.004%). This sequence change replaces arginine, which is basic and polar, with tryptophan, which is neutral and slightly polar, at codon 857 of the LTBP3 protein (p.Arg857Trp).